The following is an entry in ClinVar:

ClinVar aggregate classification (germline): Uncertain significance (1 of 4 stars; one submission).

Conditions:
Hereditary cancer-predisposing syndrome. Also called: Hereditary Cancer Syndrome; Tumor predisposition; Hereditary neoplastic syndrome; Neoplastic Syndromes, Hereditary. Identifiers: Orphanet 140162, MedGen C0027672, MeSH D009386, MONDO:0015356.

Submission:

Ambry Genetics
Classification: Uncertain significance for Hereditary cancer-predisposing syndrome. Last evaluated: 2024-04-23. Review status: criteria provided, single submitter. Criteria: Ambry Variant Classification Scheme 2023. Collection method: clinical testing. Allele origin: germline.
Comment: The p.R1471K variant (also known as c.4412G>A), located in coding exon 10 of the BRCA2 gene, results from a G to A substitution at nucleotide position 4412. The arginine at codon 1471 is replaced by lysine, an amino acid with highly similar properties. This amino acid position is conserved. In addition, this alteration is predicted to be tolerated by in silico analysis. Based on the available evidence, the clinical significance of this variant remains unclear.

NM_000059.4(BRCA2):c.4412G>A (p.Arg1471Lys)

Gene: BRCA2 (BRCA2 DNA repair associated; plus strand). Cytogenetic location: 13q13.1.
Variant type: single nucleotide variant.
Coding change: c.4412G>A on transcript NM_000059.4 (MANE Select); coding-DNA position 4412, G replaced by A.
Protein change: p.Arg1471Lys; replaces arginine 1471 with lysine.
Molecular consequence: missense variant. On other transcripts: non-coding transcript variant (1), intron variant (2).
Genome position (GRCh38, 1-based): chr13:32,338,767, G>A. VCF-style: chr13-32338767-G-A. GRCh37 (hg19) VCF-style: chr13-32912904-G-A.
Other names: c.4412G>A, p.Arg1471Lys (NM_001406719.1, NM_001406720.1); c.1909+5380G>A (NM_001406721.1); c.425-5791G>A (NM_001406722.1); short protein forms R1471K.
Identifiers: ClinVar variation 3261602 (VCV003261602.1).